The following is an entry in ClinVar:

NM_002691.4(POLD1):c.658del (p.Val220fs)

Gene: POLD1 (DNA polymerase delta 1, catalytic subunit; plus strand). Cytogenetic location: 19q13.33.
Variant type: Deletion.
Coding change: c.658del on transcript NM_002691.4 (MANE Select); coding-DNA position 658, one base deleted (G; older notation c.658delG).
Protein change: p.Val220fs; shifts the reading frame from valine 220.
Molecular consequence: frameshift variant. On other transcripts: non-coding transcript variant (1).
Genome position (GRCh38, 1-based): chr19:50,402,273, G deleted. VCF-style (leftmost placement, unchanged base first): chr19-50402272-CG-C. GRCh37 (hg19) VCF-style: chr19-50905529-CG-C.
Other names: c.658del, p.Val220fs (NM_001256849.1, NM_001308632.1); short protein forms V220fs.
Identifiers: ClinVar variation 941348 (VCV000941348.9), dbSNP rs1814126281, ClinGen allele CA1139666552.
Genomic context (GRCh38, chr19:50,402,272, plus strand): 5'-TGGGTACCACGGGCACGGCCCCTCCCCGTTCCTGCGCATCACCGTGGCGCTGCCGCGCCT[CG>C]TGGCCCCGGCCCGCCGTCTCCTGGAACAGGGCATCCGTGTGGCAGGCCTGGGCACGCCCA-3'

ClinVar aggregate classification (germline): Uncertain significance (1 of 4 stars; one submission).

Conditions:
POLD1-related polyposis and colorectal cancer syndrome (CRCS10). Also called: Colorectal cancer 10; COLORECTAL CANCER, SUSCEPTIBILITY TO, ON CHROMOSOME 19q; Colorectal cancer, susceptibility to, 10. Identifiers: Orphanet 220460, MedGen C2675481, MONDO:0012953, OMIM 612591.

Submission:

Labcorp Genetics (formerly Invitae), Labcorp
Classification: Uncertain significance for POLD1-related polyposis and colorectal cancer syndrome. Last evaluated: 2019-07-04. Review status: criteria provided, single submitter. Criteria: Invitae Variant Classification Sherloc (09022015). Collection method: clinical testing. Allele origin: germline.
Comment: Missense variants that disrupt the 3'-5' exonuclease (proof-reading) activity of the POLD1 protein, while not abolishing its polymerase enzyme activity, are associated with an increased risk for colonic adenomatous polyps and colon cancer (PMID: 23263490, 23447401). Loss-of-function truncating variants, which result in an absent or severely disrupted POLD1 protein, are therefore unlikely to be associated with disease. Without further clinical and genetic evidence, however, this variant has been classified as a Variant of Uncertain Significance. This variant has not been reported in the literature in individuals with POLD1-related conditions. This variant is not present in population databases (ExAC no frequency). This sequence change creates a premature translational stop signal (p.Val220Trpfs*56) in the POLD1 gene. It is expected to result in an absent or disrupted protein product.

Literature cited by the submitters: PubMed 23263490; PubMed 23447401.